The following is an entry in ClinVar:

NM_000261.2(MYOC):c.518G>C (p.Ser173Thr)

Gene: MYOC (myocilin; minus strand). Cytogenetic location: 1q24.3.
Variant type: single nucleotide variant.
Coding change: c.518G>C on transcript NM_000261.2 (MANE Select); coding-DNA position 518, G replaced by C.
Protein change: p.Ser173Thr; replaces serine 173 with threonine.
Molecular consequence: missense variant.
Genome position (GRCh38, 1-based): chr1:171,652,094, C>G on the plus strand (G>C on the coding strand, the complement: MYOC is on the minus strand). VCF-style: chr1-171652094-C-G. GRCh37 (hg19) VCF-style: chr1-171621234-C-G.
Other names: NM_000261.2:c.518G>C; short protein forms S173T.
Identifiers: ClinVar variation 1723161 (VCV001723161.2), dbSNP rs1653367590, ClinGen allele CA343718087.

ClinVar aggregate classification (germline): Uncertain significance (3 of 4 stars; one submission).

Conditions:
Open-angle glaucoma. Identifiers: MedGen C0017612, MONDO:0005338, HP:0012108.

Submission:

ClinGen Glaucoma Variant Curation Expert Panel
Classification: Uncertain significance for Open-angle glaucoma. Last evaluated: 2025-10-08. Review status: reviewed by expert panel. Criteria: ClinGen Glaucoma ACMG Specifications V2.0.0 Approved. Collection method: curation. Allele origin: germline. Inheritance: Autosomal dominant inheritance.
Comment: The c.518G>C variant in MYOC is a missense variant predicted to cause substitution of Serine by Threonine at amino acid 173 (p.Ser173Thr). This variant was not found in any genetic ancestry group of gnomAD (v4.1.0), meeting the ≤ 0.0001 threshold set for PM2_Supporting in a genetic ancestry group of at least 10,000 alleles. The REVEL score = 0.213, which is within the 0.184-0.290 range for BP4, suggesting that the variant does not impact MYOC function. There was no functional evidence predicting a damaging or benign impact of this variant on MYOC function. Only 1 proband with juvenile open angle glaucoma had been reported (PMID: 39998747), not meeting the ≥ 2 probands threshold required to meet PS4_Supporting. In summary, this variant met the criteria to receive a score of 0 and to be classified as a variant of uncertain significance (uncertain significance classification range -1 to 5, adapted from PMID: 32720330) for juvenile open angle glaucoma based on the ACMG/AMP criteria met, as specified by the ClinGen Glaucoma VCEP (v2.0.0, 5 Dec 2024): PM2_Supporting, BP4